The following is an entry in ClinVar:

NM_000243.3(MEFV):c.1760-85T>C

Genes: MEFV (MEFV innate immunity regulator, pyrin; minus strand), LOC126862264 (CDK7 strongly-dependent group 2 enhancer GRCh37_chr16:3293322-3294521; plus strand). Cytogenetic location: 16p13.3.
Variant type: single nucleotide variant.
Coding change: c.1760-85T>C on transcript NM_000243.3 (MANE Select); 85 bases into the intron before coding-DNA position 1760, T replaced by C.
Molecular consequence: intron variant. On other transcripts: missense variant (1).
Genome position (GRCh38, 1-based): chr16:3,243,977, A>G on the plus strand (T>C on the coding strand, the complement: MEFV is on the minus strand). VCF-style: chr16-3243977-A-G. GRCh37 (hg19) VCF-style: chr16-3293977-A-G.
Other names: c.1217T>C, p.Leu406Pro (NM_001198536.2); short protein forms L406P.
Identifiers: ClinVar variation 3350086 (VCV003350086.1).

ClinVar aggregate classification (germline): Uncertain significance (0 of 4 stars; one submission).

Conditions:
MEFV-related disorder. Also called: MEFV-related disorders; MEFV-related condition.

Submission:

PreventionGenetics, part of Exact Sciences
Classification: Uncertain significance for MEFV-related condition. Last evaluated: 2024-03-28. Review status: no assertion criteria provided. Collection method: clinical testing. Allele origin: germline.
Comment: The MEFV c.1217T>C variant is predicted to result in the amino acid substitution p.Leu406Pro. To our knowledge, this variant has not been reported in the literature or in a large population database, indicating this variant is rare. At this time, the clinical significance of this variant is uncertain due to the absence of conclusive functional and genetic evidence.